The following is an entry in ClinVar:

ClinVar aggregate classification (germline): Uncertain significance. Review status: criteria provided, multiple submitters, no conflicts (2 of 4 stars). 2 submissions from 2 submitters: Uncertain significance (2). Last evaluated 2025-02-12.

Conditions:
Dyskeratosis congenita, autosomal recessive 5 (DKCB5). Identifiers: MedGen C3554656, MONDO:0014076, OMIM 615190.
Pulmonary fibrosis and/or bone marrow failure, Telomere-related, 3. Also called: PULMONARY FIBROSIS AND/OR BONE MARROW FAILURE SYNDROME, TELOMERE-RELATED, 3. Identifiers: Orphanet 2032, MedGen C4225346, MONDO:0014613, OMIM 616373.
Inborn genetic diseases. Identifiers: MedGen C0950123, MeSH D030342.

Allele frequency attached by ClinVar (database versions not stated): TOPMed below 0.00001.

Submissions (2):

Ambry Genetics
Classification: Uncertain significance for Inborn genetic diseases. Last evaluated: 2025-02-12. Review status: criteria provided, single submitter. Criteria: Ambry Variant Classification Scheme 2023. Collection method: clinical testing. Allele origin: germline.
Comment: The p.A1281T variant (also known as c.3841G>A), located in coding exon 34 of the RTEL1 gene, results from a G to A substitution at nucleotide position 3841. The alanine at codon 1281 is replaced by threonine, an amino acid with similar properties. This amino acid position is conserved. In addition, this alteration is predicted to be tolerated by in silico analysis. Based on the available evidence, the clinical significance of this variant remains unclear.

Labcorp Genetics (formerly Invitae), Labcorp
Classification: Uncertain significance for Dyskeratosis congenita, autosomal recessive 5; Pulmonary fibrosis and/or bone marrow failure, Telomere-related, 3. Last evaluated: 2024-08-23. Review status: criteria provided, single submitter. Criteria: Invitae Variant Classification Sherloc (09022015). Collection method: clinical testing. Allele origin: germline.
Comment: This sequence change replaces alanine, which is neutral and non-polar, with threonine, which is neutral and polar, at codon 1281 of the RTEL1 protein (p.Ala1281Thr). This variant is not present in population databases (gnomAD no frequency). This variant has not been reported in the literature in individuals affected with RTEL1-related conditions. ClinVar contains an entry for this variant (Variation ID: 2199653). An algorithm developed to predict the effect of missense changes on protein structure and function (PolyPhen-2) suggests that this variant is likely to be tolerated. In summary, the available evidence is currently insufficient to determine the role of this variant in disease. Therefore, it has been classified as a Variant of Uncertain Significance.

NM_001283009.2(RTEL1):c.3841G>A (p.Ala1281Thr)

Genes: RTEL1 (regulator of telomere elongation helicase 1; plus strand), RTEL1-TNFRSF6B (RTEL1-TNFRSF6B readthrough (NMD candidate); plus strand). Cytogenetic location: 20q13.33.
Variant type: single nucleotide variant.
Coding change: c.3841G>A on transcript NM_001283009.2 (MANE Select); coding-DNA position 3841, G replaced by A.
Protein change: p.Ala1281Thr; replaces alanine 1281 with threonine.
Molecular consequence: missense variant. On other transcripts: non-coding transcript variant (1), 3 prime UTR variant (3).
Genome position (GRCh38, 1-based): chr20:63,695,796, G>A. VCF-style: chr20-63695796-G-A. GRCh37 (hg19) VCF-style: chr20-62327149-G-A.
Other names: c.*11G>A (NM_001283010.1, NM_016434.4, NM_032957.5); short protein forms A1281T.
Identifiers: ClinVar variation 2199653 (VCV002199653.4), dbSNP rs1178215444, ClinGen allele CA409710441.